The following is an entry in ClinVar:

NM_144997.7(FLCN):c.872A>C (p.Asp291Ala)

Gene: FLCN (folliculin; minus strand). Cytogenetic location: 17p11.2.
Variant type: single nucleotide variant.
Coding change: c.872A>C on transcript NM_144997.7 (MANE Select); coding-DNA position 872, A replaced by C.
Protein change: p.Asp291Ala; replaces aspartic acid 291 with alanine.
Molecular consequence: missense variant.
Genome position (GRCh38, 1-based): chr17:17,219,209, T>G on the plus strand (A>C on the coding strand, the complement: FLCN is on the minus strand). VCF-style: chr17-17219209-T-G. GRCh37 (hg19) VCF-style: chr17-17122523-T-G.
Other names: c.926A>C, p.Asp309Ala (NM_001353229.2); c.872A>C, p.Asp291Ala (NM_001353230.2, NM_001353231.2); short protein forms D309A, D291A.
Identifiers: ClinVar variation 4766654 (VCV004766654.1).
Genomic context (GRCh38, chr17:17,219,209, plus strand): 5'-GGGGCTTTCTCCTCCTCTTCAGCCTCAGAGTTGTCCCAGCTTTCTGATTCCTCTTCTAAA[T>G]CTGCAAGACAGATGACAAGGACAGTTACAGATACAAACAGTCTCATCCTGTGACTTCAGC-3'
Protein context (NP_659434.2, residues 281-301): DTLVQMEKLA[Asp291Ala]LEEESESWDN

ClinVar aggregate classification (germline): Uncertain significance (1 of 4 stars; one submission).

Conditions:
Birt-Hogg-Dube syndrome. Also called: Birt Hogg Dubé syndrome. Identifiers: Orphanet 122, MedGen C0346010, MONDO:0800444.

Submission:

Labcorp Genetics (formerly Invitae), Labcorp
Classification: Uncertain significance for Birt-Hogg-Dube syndrome. Last evaluated: 2025-12-05. Review status: criteria provided, single submitter. Criteria: Invitae Variant Classification Sherloc (09022015). Collection method: clinical testing. Allele origin: germline.
Comment: This sequence change replaces aspartic acid, which is acidic and polar, with alanine, which is neutral and non-polar, at codon 291 of the FLCN protein (p.Asp291Ala). This variant is not present in population databases (gnomAD no frequency). This variant has not been reported in the literature in individuals affected with FLCN-related conditions. An algorithm developed to predict the effect of missense changes on protein structure and function (PolyPhen-2) suggests that this variant is likely to be tolerated. In summary, the available evidence is currently insufficient to determine the role of this variant in disease. Therefore, it has been classified as a Variant of Uncertain Significance.